The following is an entry in ClinVar:

NM_017780.4(CHD7):c.6619T>C (p.Cys2207Arg)

Gene: CHD7 (chromodomain helicase DNA binding protein 7; plus strand). Cytogenetic location: 8q12.2.
Variant type: single nucleotide variant.
Coding change: c.6619T>C on transcript NM_017780.4 (MANE Select); coding-DNA position 6619, T replaced by C.
Protein change: p.Cys2207Arg; replaces cysteine 2207 with arginine.
Molecular consequence: missense variant. On other transcripts: intron variant (1).
Genome position (GRCh38, 1-based): chr8:60,853,344, T>C. VCF-style: chr8-60853344-T-C. GRCh37 (hg19) VCF-style: chr8-61765903-T-C.
Other names: c.1717-8885T>C (NM_001316690.1); short protein forms C2207R.
Identifiers: ClinVar variation 968915 (VCV000968915.10), dbSNP rs1805560223, ClinGen allele CA371325950.

ClinVar aggregate classification (germline): Uncertain significance. Review status: criteria provided, multiple submitters, no conflicts (2 of 4 stars). 2 submissions from 2 submitters: Uncertain significance (2). Last evaluated 2024-05-11.

Conditions:
Hypogonadotropic hypogonadism 5 with or without anosmia (KAL5). Also called: HYPOGONADOTROPIC HYPOGONADISM 5 WITH ANOSMIA; HYPOGONADOTROPHIC HYPOGONADISM 5 WITHOUT ANOSMIA; CHD7-Related GnRH Deficiency (Kallmann Syndrome 5). Identifiers: Orphanet 478, MedGen C3552553, MONDO:0012880, OMIM 612370. Disease mechanism: loss of function.
CHARGE syndrome (CHARGE). Also called: Hittner Hirsch Kreh syndrome; Coloboma, heart anomaly, choanal atresia, retardation, genital and ear anomalies; CHARGE association; Hall-Hittner syndrome; CHARGE ASSOCIATION--COLOBOMA, HEART ANOMALY, CHOANAL ATRESIA, RETARDATION, GENITAL AND EAR ANOMALIES. Identifiers: Orphanet 138, MedGen C0265354, MONDO:0008965.

Allele frequency attached by ClinVar (database versions not stated): gnomAD 0.00001.
gnomAD v4.1: 1 of 1,588,444 alleles (0.000063%); highest among the groups gnomAD compares: African/African-American, 0.0014%; no homozygotes.

Submissions (2):

Fulgent Genetics
Classification: Uncertain significance for CHD7-related CHARGE syndrome; Hypogonadotropic hypogonadism 5 with or without anosmia. Last evaluated: 2024-05-11. Review status: criteria provided, single submitter. Criteria: ACMG Guidelines, 2015. Collection method: clinical testing. Allele origin: germline.

Labcorp Genetics (formerly Invitae), Labcorp
Classification: Uncertain significance for CHARGE syndrome. Last evaluated: 2020-09-09. Review status: criteria provided, single submitter. Criteria: Invitae Variant Classification Sherloc (09022015). Collection method: clinical testing. Allele origin: germline.
Comment: This variant is not present in population databases (ExAC no frequency). In summary, the available evidence is currently insufficient to determine the role of this variant in disease. Therefore, it has been classified as a Variant of Uncertain Significance. Algorithms developed to predict the effect of missense changes on protein structure and function output the following: SIFT: "Tolerated"; PolyPhen-2: "Benign"; Align-GVGD: "Class C0". The arginine amino acid residue is found in multiple mammalian species, suggesting that this missense change does not adversely affect protein function. These predictions have not been confirmed by published functional studies and their clinical significance is uncertain. This variant has not been reported in the literature in individuals with CHD7-related conditions. This sequence change replaces cysteine with arginine at codon 2207 of the CHD7 protein (p.Cys2207Arg). The cysteine residue is highly conserved and there is a large physicochemical difference between cysteine and arginine.